The following is an entry in ClinVar:

ClinVar aggregate classification (germline): Benign/Likely benign. Review status: criteria provided, multiple submitters, no conflicts (2 of 4 stars). 3 submissions from 3 submitters: Benign (1); Likely benign (2). Last evaluated 2026-06-04.

Conditions:
Gastrointestinal stromal tumor. Also called: Gastrointestinal stromal tumor, somatic; Gastrointestinal stroma tumor. Identifiers: Orphanet 44890, MedGen C0238198, MeSH D046152, MONDO:0011719, OMIM 606764, HP:0100723.
Hereditary cancer-predisposing syndrome. Also called: Neoplastic Syndromes, Hereditary; Hereditary Cancer Syndrome; Hereditary neoplastic syndrome; Tumor predisposition. Identifiers: Orphanet 140162, MedGen C0027672, MeSH D009386, MONDO:0015356.

Allele frequency attached by ClinVar (database versions not stated): TOPMed below 0.00001.

Submissions (3):

Myriad Genetics, Inc.
Classification: Benign for Gastrointestinal stromal tumor. Last evaluated: 2026-06-04. Review status: criteria provided, single submitter. Criteria: Myriad Autosomal Dominant, Autosomal Recessive and X-Linked Classification Criteria (2023). Collection method: clinical testing. Allele origin: unknown.
Comment: This variant is considered benign. This variant is a silent/synonymous amino acid change and it is not expected to impact splicing.

Labcorp Genetics (formerly Invitae), Labcorp
Classification: Likely benign for Gastrointestinal stromal tumor. Last evaluated: 2022-08-06. Review status: criteria provided, single submitter. Criteria: Invitae Variant Classification Sherloc (09022015). Collection method: clinical testing. Allele origin: germline.

Ambry Genetics
Classification: Likely benign for Hereditary cancer-predisposing syndrome. Last evaluated: 2019-12-13. Review status: criteria provided, single submitter. Criteria: Ambry Variant Classification Scheme 2023. Collection method: clinical testing. Allele origin: germline.

NM_000222.3(KIT):c.1911C>G (p.Leu637=)

Gene: KIT (KIT proto-oncogene, receptor tyrosine kinase; plus strand). Cytogenetic location: 4q12.
Variant type: single nucleotide variant.
Coding change: c.1911C>G on transcript NM_000222.3 (MANE Select); coding-DNA position 1911, C replaced by G.
Protein change: p.Leu637=; no amino-acid change (leucine 637 retained).
Molecular consequence: synonymous variant.
Genome position (GRCh38, 1-based): chr4:54,728,042, C>G. VCF-style: chr4-54728042-C-G. GRCh37 (hg19) VCF-style: chr4-55594208-C-G.
Other names: c.1899C>G, p.Leu633= (NM_001093772.2, NM_001385286.1); c.1914C>G, p.Leu638= (NM_001385284.1, NM_001385290.1); c.1911C>G, p.Leu637= (NM_001385285.1); c.1902C>G, p.Leu634= (NM_001385288.1, NM_001385292.1).
Identifiers: ClinVar variation 820326 (VCV000820326.13), dbSNP rs1375809347, ClinGen allele CA439291459.